The following is an entry in ClinVar:

NR_003051.4(RMRP):n.89_96dup

Gene: RMRP (RNA component of mitochondrial RNA processing endoribonuclease; minus strand). Cytogenetic location: 9p13.3.
Variant type: Duplication.
Genome position: GRCh38 VCF-style: chr9-35657922-A-ACTCTCTGC. GRCh37 (hg19) VCF-style: chr9-35657919-A-ACTCTCTGC.
Identifiers: ClinVar variation 959538 (VCV000959538.10), dbSNP rs1823619515, ClinGen allele CA1139660922.
Genomic context (GRCh38, chr9:35,657,922, plus strand): 5'-CGCTTCTTGGCGGACTTTGGAGTGGGAAGCGGGGAATGTCTACGTGCGTATGCACGTGGC[A>ACTCTCTGC]CTCTCTGCCCGAGGTCCGGGGACTTTCCCCTAGGCGGAAAGGGGAGGAACAGAGTCCTCA-3'

ClinVar aggregate classification (germline): Uncertain significance (1 of 4 stars; one submission).

Conditions:
Anauxetic dysplasia. Identifiers: Orphanet 93347, MedGen C1846796, MONDO:0011773.

Submission:

Labcorp Genetics (formerly Invitae), Labcorp
Classification: Uncertain significance for Anauxetic dysplasia. Last evaluated: 2019-07-25. Review status: criteria provided, single submitter. Criteria: Invitae Variant Classification Sherloc (09022015). Collection method: clinical testing. Allele origin: germline.
Comment: In summary, the available evidence is currently insufficient to determine the role of this variant in disease. Therefore, it has been classified as a Variant of Uncertain Significance. Experimental studies and prediction algorithms are not available for this variant, and the functional significance of this non-coding change is currently unknown. This variant has not been reported in the literature in individuals with RMRP-related conditions. The frequency data for this variant in the population databases is considered unreliable, as metrics indicate insufficient coverage at this position in the ExAC database. This variant occurs in the RMRP gene, which encodes an RNA molecule that does not result in a protein product.